The following is an entry in ClinVar:

NM_005916.5(MCM7):c.1194G>A (p.Ala398=)

Gene: MCM7 (minichromosome maintenance complex component 7; minus strand). Cytogenetic location: 7q22.1.
Variant type: single nucleotide variant.
Coding change: c.1194G>A on transcript NM_005916.5 (MANE Select); coding-DNA position 1194, G replaced by A.
Protein change: p.Ala398=; no amino-acid change (alanine 398 retained).
Molecular consequence: synonymous variant.
Genome position (GRCh38, 1-based): chr7:100,097,308, C>T on the plus strand (G>A on the coding strand, the complement: MCM7 is on the minus strand). VCF-style: chr7-100097308-C-T. GRCh37 (hg19) VCF-style: chr7-99694931-C-T.
Other names: c.666G>A, p.Ala222= (NM_001278595.2, NM_182776.3); c.873G>A, p.Ala291= (NM_001439271.1, NM_001439272.1, NM_001439273.1).
Identifiers: ClinVar variation 5038670 (VCV005038670.1).
Genomic context (GRCh38, chr7:100,097,308, plus strand): 5'-ACTGTGGTCCTGTCTGTCACTATATTCACCTCCCGCAAAGCCCAACTACTTACTGCGAGG[C>T]GCCAGTCGATCAATGTATGACAGGAGCTGAGACTTGGCCACACCAGGATCCCCCATCAGA-3'
Protein context (NP_005907.3, residues 388-408): SQLLSYIDRL[Ala398=]PRSQYTTGRG

ClinVar aggregate classification (germline): Likely benign (1 of 4 stars; one submission).

Submission:

CeGaT Center for Human Genetics Tuebingen
Classification: Likely benign. Last evaluated: 2026-07-01. Review status: criteria provided, single submitter. Criteria: CeGaT Center For Human Genetics Tuebingen Variant Classification Criteria Version 2. Collection method: clinical testing. Allele origin: germline. Affected: yes. Observed: 1 variant allele.
Comment: MCM7: BP4, BP7